The following is an entry in ClinVar:

NM_024675.4(PALB2):c.1418C>G (p.Pro473Arg)

Gene: PALB2 (partner and localizer of BRCA2; minus strand). Cytogenetic location: 16p12.2.
Variant type: single nucleotide variant.
Coding change: c.1418C>G on transcript NM_024675.4 (MANE Select); coding-DNA position 1418, C replaced by G.
Protein change: p.Pro473Arg; replaces proline 473 with arginine.
Molecular consequence: missense variant. On other transcripts: intron variant (3).
Genome position (GRCh38, 1-based): chr16:23,635,128, G>C on the plus strand (C>G on the coding strand, the complement: PALB2 is on the minus strand). VCF-style: chr16-23635128-G-C. GRCh37 (hg19) VCF-style: chr16-23646449-G-C.
Other names: c.1358C>G, p.Pro453Arg (NM_001407296.1); c.1418C>G, p.Pro473Arg (NM_001407297.1, NM_001407298.1, NM_001407299.1 and 3 more transcripts); c.533C>G, p.Pro178Arg (NM_001407304.1, NM_001407305.1, NM_001407306.1 and 5 more transcripts); c.49-5853C>G (NM_001407314.1); c.-104-4659C>G (NM_001407313.1, NM_001407312.1); short protein forms P473R, P178R, P453R.
Identifiers: ClinVar variation 3413502 (VCV003413502.1).

ClinVar aggregate classification (germline): Uncertain significance (1 of 4 stars; one submission).

Conditions:
Hereditary cancer-predisposing syndrome. Also called: Neoplastic Syndromes, Hereditary; Tumor predisposition; Hereditary Cancer Syndrome; Hereditary neoplastic syndrome. Identifiers: Orphanet 140162, MedGen C0027672, MeSH D009386, MONDO:0015356.

Submission:

Ambry Genetics
Classification: Uncertain significance for Hereditary cancer-predisposing syndrome. Last evaluated: 2024-11-25. Review status: criteria provided, single submitter. Criteria: Ambry Variant Classification Scheme 2023. Collection method: clinical testing. Allele origin: germline.
Comment: The p.P473R variant (also known as c.1418C>G), located in coding exon 4 of the PALB2 gene, results from a C to G substitution at nucleotide position 1418. The proline at codon 473 is replaced by arginine, an amino acid with dissimilar properties. This amino acid position is conserved. In addition, this alteration is predicted to be tolerated by in silico analysis. Based on the available evidence, the clinical significance of this variant remains unclear.